The following is an entry in ClinVar:

ClinVar aggregate classification (germline): Uncertain significance (1 of 4 stars; one submission).

Conditions:
Congenital cataract-microcephaly-nevus flammeus simplex-severe intellectual disability syndrome. Also called: Basel-Vanagaite-Smirin-Yosef syndrome. Identifiers: Orphanet 464738, MedGen C4225323, MONDO:0014643, OMIM 616449.

Submission:

Juno Genomics, Hangzhou Juno Genomics, Inc
Classification: Uncertain significance for Congenital cataract-microcephaly-nevus flammeus simplex-severe intellectual disability syndrome. Review status: criteria provided, single submitter. Criteria: ACMG Guidelines, 2015. Collection method: clinical testing. Allele origin: germline.
Comment: Absent from controls (or at extremely low frequency if recessive) in Genome Aggregation Database.

NM_030973.4(MED25):c.395del (p.Arg132fs)

Gene: MED25 (mediator complex subunit 25; plus strand). Cytogenetic location: 19q13.33.
Variant type: Deletion.
Coding change: c.395del on transcript NM_030973.4 (MANE Select); coding-DNA position 395, one base deleted (G; older notation c.395delG).
Protein change: p.Arg132fs; shifts the reading frame from arginine 132.
Molecular consequence: frameshift variant.
Genome position (GRCh38, 1-based): chr19:49,828,538, G deleted. VCF-style (leftmost placement, unchanged base first): chr19-49828537-CG-C. GRCh37 (hg19) VCF-style: chr19-50331794-CG-C.
Other names: c.395del, p.Arg132fs (NM_001378355.1); short protein forms R132fs.
Identifiers: ClinVar variation 5006019 (VCV005006019.2).
Genomic context (GRCh38, chr19:49,828,537, plus strand): 5'-AGCCTCATCGCGGAAGGACTCAGCACAGCCTTGCAGCTGTTTGATGACTTCAAGAAGATG[CG>C]CGAGCAGATGTGAGTGCCCCCTCCACCCAGGCCGGGCCGGTCTCTCTCTGCCTGGCCTGG-3'